The following is an entry in ClinVar:

NM_001378964.1(CDON):c.1320C>G (p.Asp440Glu)

Gene: CDON (cell adhesion associated, oncogene regulated; minus strand). Cytogenetic location: 11q24.2.
Variant type: single nucleotide variant.
Coding change: c.1320C>G on transcript NM_001378964.1 (MANE Select); coding-DNA position 1320, C replaced by G.
Protein change: p.Asp440Glu; replaces aspartic acid 440 with glutamic acid.
Molecular consequence: missense variant.
Genome position (GRCh38, 1-based): chr11:126,010,573, G>C on the plus strand (C>G on the coding strand, the complement: CDON is on the minus strand). VCF-style: chr11-126010573-G-C. GRCh37 (hg19) VCF-style: chr11-125880468-G-C.
Other names: c.1320C>G, p.Asp440Glu (NM_001243597.3, NM_016952.6); short protein forms D440E.
Identifiers: ClinVar variation 2007598 (VCV002007598.4), dbSNP rs144632818, ClinGen allele CA383209684.

ClinVar aggregate classification (germline): Uncertain significance (1 of 4 stars; one submission).

Conditions:
Holoprosencephaly 11 (HPE11). Identifiers: Orphanet 2162, MedGen C3280215, MONDO:0013642, OMIM 614226.

Submission:

Labcorp Genetics (formerly Invitae), Labcorp
Classification: Uncertain significance for Holoprosencephaly 11. Last evaluated: 2022-11-29. Review status: criteria provided, single submitter. Criteria: Invitae Variant Classification Sherloc (09022015). Collection method: clinical testing. Allele origin: germline.
Comment: In summary, the available evidence is currently insufficient to determine the role of this variant in disease. Therefore, it has been classified as a Variant of Uncertain Significance. Advanced modeling of protein sequence and biophysical properties (such as structural, functional, and spatial information, amino acid conservation, physicochemical variation, residue mobility, and thermodynamic stability) performed at Invitae indicates that this missense variant is not expected to disrupt CDON protein function. This variant has not been reported in the literature in individuals affected with CDON-related conditions. This variant is not present in population databases (gnomAD no frequency). This sequence change replaces aspartic acid, which is acidic and polar, with glutamic acid, which is acidic and polar, at codon 440 of the CDON protein (p.Asp440Glu).